The following is an entry in ClinVar:

ClinVar aggregate classification (germline): Conflicting classifications of pathogenicity. Review status: criteria provided, conflicting classifications (1 of 4 stars). 13 submissions from 13 submitters: Uncertain significance (1); Benign (4); Likely benign (6). 2 of the submissions do not count toward it. Last evaluated 2026-08-01.

Conditions:
Hereditary spastic paraplegia. Also called: Familial spastic paraparesis. Identifiers: Orphanet 685, MedGen C0037773, MONDO:0019064. Disease mechanism: loss of function.
Hereditary spastic paraplegia 39 (SPG39). Also called: Spastic Paraplegia Type 39 (SPG39); SPASTIC PARAPLEGIA 39, AUTOSOMAL RECESSIVE. Identifiers: Orphanet 139480, MedGen C2677586, MONDO:0012787, OMIM 612020.

Allele frequency attached by ClinVar (database versions not stated): TOPMed 0.00434; gnomAD 0.00459 and 0.00466; gnomAD exomes 0.00475 and 0.00618; ESP Exome Variant Server 0.00509; ExAC 0.00548; 1000 Genomes Project 0.00359; 1000 Genomes Project 30x 0.00359.

Submissions (13):

CeGaT Center for Human Genetics Tuebingen
Classification: Likely benign. Last evaluated: 2026-08-01. Review status: criteria provided, single submitter. Criteria: CeGaT Center For Human Genetics Tuebingen Variant Classification Criteria Version 2. Collection method: clinical testing. Allele origin: germline. Affected: yes. Observed: 30 variant alleles.
Comment: PNPLA6: PM5, BS2

Labcorp Genetics (formerly Invitae), Labcorp
Classification: Benign for Hereditary spastic paraplegia 39. Last evaluated: 2026-02-01. Review status: criteria provided, single submitter. Criteria: Invitae Variant Classification Sherloc (09022015). Collection method: clinical testing. Allele origin: germline.

Blueprint Genetics
Classification: Likely benign. Last evaluated: 2024-11-22. Review status: criteria provided, single submitter. Criteria: ACMG Guidelines, 2015. Collection method: clinical testing. Allele origin: germline.

Genome Diagnostics Laboratory, The Hospital for Sick Children
Classification: Likely benign for Hereditary spastic paraplegia. Last evaluated: 2021-05-07. Review status: criteria provided, single submitter. Criteria: ACMG Guidelines, 2015. Collection method: clinical testing. Allele origin: germline. Affected: yes.

Mayo Clinic Laboratories, Mayo Clinic
Classification: Benign. Last evaluated: 2019-09-18. Review status: criteria provided, single submitter. Criteria: ACMG Guidelines, 2015. Collection method: clinical testing. Allele origin: germline. Observed: 24 variant alleles.

Mendelics
Classification: Likely benign. Last evaluated: 2019-05-28. Review status: criteria provided, single submitter. Criteria: Mendelics Assertion Criteria 2017. Collection method: clinical testing. Allele origin: unknown.

Athena Diagnostics
Classification: Benign. Last evaluated: 2019-04-29. Review status: criteria provided, single submitter. Criteria: Athena Diagnostics Criteria. Collection method: clinical testing. Allele origin: germline.

Illumina Laboratory Services, Illumina
Classification: Uncertain significance for Hereditary spastic paraplegia 39. Last evaluated: 2018-01-13. Review status: criteria provided, single submitter. Criteria: ICSL Variant Classification Criteria 13 December 2019. Collection method: clinical testing. Allele origin: germline.

GeneDx
Classification: Benign. Last evaluated: 2017-07-05. Review status: criteria provided, single submitter. Criteria: GeneDx Variant Classification (06012015). Collection method: clinical testing. Allele origin: germline. Affected: yes.
Comment: This variant is considered likely benign or benign based on one or more of the following criteria: it is a conservative change, it occurs at a poorly conserved position in the protein, it is predicted to be benign by multiple in silico algorithms, and/or has population frequency not consistent with disease.

Center for Pediatric Genomic Medicine, Children's Mercy Hospital and Clinics
Classification: Likely benign. Last evaluated: 2017-03-06. Review status: criteria provided, single submitter. Criteria: ACMG Guidelines, 2015. Collection method: clinical testing. Allele origin: germline.

Eurofins Ntd Llc (ga)
Classification: Likely benign. Last evaluated: 2016-01-08. Review status: criteria provided, single submitter. Criteria: EGL Classification Definitions 2015. Collection method: clinical testing. Allele origin: germline. Observed: 1 variant allele, 1 heterozygote.

Diagnostic Laboratory, Department of Genetics, University Medical Center Groningen
Classification: Likely benign. Review status: no assertion criteria provided. Collection method: clinical testing. Allele origin: germline. Affected: yes. Study: VKGL Data-share Consensus. Not counted in ClinVar's aggregate classification.

Genome Diagnostics Laboratory, University Medical Center Utrecht
Classification: Likely benign. Review status: no assertion criteria provided. Collection method: clinical testing. Allele origin: germline. Affected: yes. Study: VKGL Data-share Consensus. Not counted in ClinVar's aggregate classification.

Literature cited by the submitters: PubMed 25133958 (cited by Athena Diagnostics).

NM_001166114.2(PNPLA6):c.1457C>T (p.Pro486Leu)

Gene: PNPLA6 (patatin like domain 6, lysophospholipase; plus strand). Cytogenetic location: 19p13.2.
Variant type: single nucleotide variant.
Coding change: c.1457C>T on transcript NM_001166114.2 (MANE Select); coding-DNA position 1457, C replaced by T.
Protein change: p.Pro486Leu; replaces proline 486 with leucine.
Molecular consequence: missense variant.
Genome position (GRCh38, 1-based): chr19:7,542,855, C>T. VCF-style: chr19-7542855-C-T. GRCh37 (hg19) VCF-style: chr19-7607741-C-T.
Other names: p.Pro447Leu; c.1484C>T, p.Pro495Leu (NM_001166111.2); c.1340C>T, p.Pro447Leu (NM_001166112.2, NM_001166113.1, NM_006702.5); short protein forms P447L, P495L, P486L.
Identifiers: ClinVar variation 240691 (VCV000240691.73), dbSNP rs145191932, ClinGen allele CA9139820.